The following is an entry in ClinVar:

ClinVar aggregate classification (germline): Benign. Review status: criteria provided, multiple submitters, no conflicts (2 of 4 stars). 2 submissions from 2 submitters: Benign (2). Last evaluated 2018-06-18.

Allele frequency attached by ClinVar (database versions not stated): gnomAD 0.36958; TOPMed 0.39613; 1000 Genomes Project 0.40375; 1000 Genomes Project 30x 0.40756.
gnomAD v4.1: 157,066 of 530,632 alleles (30%); highest among the groups gnomAD compares: African/African-American, 71%; 28,755 homozygotes.

Submissions (2):

GeneDx
Classification: Benign. Last evaluated: 2018-06-18. Review status: criteria provided, single submitter. Criteria: GeneDx Variant Classification (06012015). Collection method: clinical testing. Allele origin: germline. Affected: yes.
Comment: This variant is considered likely benign or benign based on one or more of the following criteria: it is a conservative change, it occurs at a poorly conserved position in the protein, it is predicted to be benign by multiple in silico algorithms, and/or has population frequency not consistent with disease.

Breakthrough Genomics
Classification: Benign. Review status: criteria provided, single submitter. Criteria: ACMG Guidelines, 2015. Collection method: not provided. Allele origin: germline. Inheritance: Autosomal dominant inheritance. Affected: yes.

NM_001376.5(DYNC1H1):c.12514-259G>C

Gene: DYNC1H1 (dynein cytoplasmic 1 heavy chain 1; plus strand). Cytogenetic location: 14q32.31.
Variant type: single nucleotide variant.
Coding change: c.12514-259G>C on transcript NM_001376.5 (MANE Select); 259 bases into the intron before coding-DNA position 12514, G replaced by C.
Molecular consequence: intron variant.
Genome position (GRCh38, 1-based): chr14:102,043,616, G>C. VCF-style: chr14-102043616-G-C. GRCh37 (hg19) VCF-style: chr14-102509953-G-C.
Identifiers: ClinVar variation 668900 (VCV000668900.2), dbSNP rs1190605, ClinGen allele CA13950817.